The following is an entry in ClinVar:

ClinVar aggregate classification (germline): Conflicting classifications of pathogenicity. Review status: criteria provided, conflicting classifications (1 of 4 stars). 2 submissions from 2 submitters: Uncertain significance (1); Likely benign (1). Last evaluated 2023-03-10.

Conditions:
Hereditary pancreatitis (PCTT). Also called: Hereditary chronic pancreatitis; PRSS1-Related Hereditary Pancreatitis. Identifiers: Orphanet 676, MedGen C0238339, MONDO:0008185, OMIM 167800.

Allele frequency attached by ClinVar (database versions not stated): gnomAD 0.00001; gnomAD exomes 0.00001; TOPMed 0.00001.
gnomAD v4.1: 12 of 1,614,042 alleles (0.00074%); highest among the groups gnomAD compares: Non-Finnish European, 0.00076%; no homozygotes.

Submissions (2):

Labcorp Genetics (formerly Invitae), Labcorp
Classification: Uncertain significance. Last evaluated: 2023-03-10. Review status: criteria provided, single submitter. Criteria: Invitae Variant Classification Sherloc (09022015). Collection method: clinical testing. Allele origin: germline.
Comment: This sequence change replaces serine, which is neutral and polar, with asparagine, which is neutral and polar, at codon 167 of the CPA1 protein (p.Ser167Asn). This variant is not present in population databases (gnomAD no frequency). This variant has not been reported in the literature in individuals affected with CPA1-related conditions. ClinVar contains an entry for this variant (Variation ID: 1744754). Advanced modeling of protein sequence and biophysical properties (such as structural, functional, and spatial information, amino acid conservation, physicochemical variation, residue mobility, and thermodynamic stability) performed at Invitae indicates that this missense variant is not expected to disrupt CPA1 protein function. In summary, the available evidence is currently insufficient to determine the role of this variant in disease. Therefore, it has been classified as a Variant of Uncertain Significance.

Ambry Genetics
Classification: Likely benign for Hereditary pancreatitis. Last evaluated: 2022-03-02. Review status: criteria provided, single submitter. Criteria: Ambry Variant Classification Scheme 2023. Collection method: clinical testing. Allele origin: germline.

NM_001868.4(CPA1):c.500G>A (p.Ser167Asn)

Gene: CPA1 (carboxypeptidase A1; plus strand). Cytogenetic location: 7q32.2.
Variant type: single nucleotide variant.
Coding change: c.500G>A on transcript NM_001868.4 (MANE Select); coding-DNA position 500, G replaced by A.
Protein change: p.Ser167Asn; replaces serine 167 with asparagine.
Molecular consequence: missense variant.
Genome position (GRCh38, 1-based): chr7:130,383,407, G>A. VCF-style: chr7-130383407-G-A. GRCh37 (hg19) VCF-style: chr7-130023248-G-A.
Other names: short protein forms S167N.
Identifiers: ClinVar variation 1744754 (VCV001744754.7), dbSNP rs1796431541, ClinGen allele CA369282151.
Genomic context (GRCh38, chr7:130,383,407, plus strand): 5'-CAGCTGTGAAATTGCCTCTGATCACTCCCCTGCCTCCTCTCCAGTTCAGCACGGGGGGCA[G>A]TAAGCGTCCAGCCATCTGGATCGACACGGGCATCCATTCCCGGGAGTGGGTCACCCAGGC-3'
Protein context (NP_001859.1, residues 157-177): IYVLKFSTGG[Ser167Asn]KRPAIWIDTG